The following is an entry in ClinVar:

ClinVar aggregate classification (germline): Benign/Likely benign. Review status: criteria provided, multiple submitters, no conflicts (2 of 4 stars). 5 submissions from 5 submitters: Benign (1); Likely benign (4). Last evaluated 2025-11-01.

Conditions:
Familial thoracic aortic aneurysm and aortic dissection (TAAD). Also called: Thoracic aortic aneurysms and dissections. Identifiers: Orphanet 91387, MedGen C4707243, MONDO:0019625.
Marfan syndrome (MFS). Also called: Marfan syndrome, classic; MARFAN SYNDROME, TYPE I; FBN1-Related Marfan Syndrome; Marfan syndrome type 1; Marfan's syndrome. Identifiers: Orphanet 284963, Orphanet 558, MedGen C0024796, MONDO:0007947, OMIM 154700.

Allele frequency attached by ClinVar (database versions not stated): gnomAD exomes 0.00001 and 0.00003; ExAC 0.00002; gnomAD 0.00007; ESP Exome Variant Server 0.00008; TOPMed 0.00008.
gnomAD v4.1: 24 of 1,613,996 alleles (0.0015%); highest among the groups gnomAD compares: African/African-American, 0.028%; no homozygotes.

Submissions (5):

CeGaT Center for Human Genetics Tuebingen
Classification: Likely benign. Last evaluated: 2025-11-01. Review status: criteria provided, single submitter. Criteria: CeGaT Center For Human Genetics Tuebingen Variant Classification Criteria Version 2. Collection method: clinical testing. Allele origin: germline. Affected: yes. Observed: 1 variant allele.
Comment: FBN1: BP4, BP7

Labcorp Genetics (formerly Invitae), Labcorp
Classification: Likely benign for Marfan syndrome; Familial thoracic aortic aneurysm and aortic dissection. Last evaluated: 2025-08-20. Review status: criteria provided, single submitter. Criteria: Invitae Variant Classification Sherloc (09022015). Collection method: clinical testing. Allele origin: germline.

Color Diagnostics, LLC DBA Color Health
Classification: Likely benign for Familial thoracic aortic aneurysm and aortic dissection. Last evaluated: 2019-10-22. Review status: criteria provided, single submitter. Criteria: ACMG Guidelines, 2015. Collection method: clinical testing. Allele origin: germline.

Ambry Genetics
Classification: Likely benign for Familial thoracic aortic aneurysm and aortic dissection. Last evaluated: 2018-05-23. Review status: criteria provided, single submitter. Criteria: Ambry Variant Classification Scheme 2023. Collection method: clinical testing. Allele origin: germline.

GeneDx
Classification: Benign. Last evaluated: 2016-12-01. Review status: criteria provided, single submitter. Criteria: GeneDx Variant Classification (06012015). Collection method: clinical testing. Allele origin: germline. Affected: yes.
Comment: This variant is considered likely benign or benign based on one or more of the following criteria: it is a conservative change, it occurs at a poorly conserved position in the protein, it is predicted to be benign by multiple in silico algorithms, and/or has population frequency not consistent with disease.

NM_000138.5(FBN1):c.6942C>T (p.Tyr2314=)

Gene: FBN1 (fibrillin 1; minus strand). Cytogenetic location: 15q21.1.
Variant type: single nucleotide variant.
Coding change: c.6942C>T on transcript NM_000138.5 (MANE Select); coding-DNA position 6942, C replaced by T.
Protein change: p.Tyr2314=; no amino-acid change (tyrosine 2314 retained).
Molecular consequence: synonymous variant.
Genome position (GRCh38, 1-based): chr15:48,428,401, G>A on the plus strand (C>T on the coding strand, the complement: FBN1 is on the minus strand). VCF-style: chr15-48428401-G-A. GRCh37 (hg19) VCF-style: chr15-48720598-G-A.
Identifiers: ClinVar variation 263695 (VCV000263695.22), dbSNP rs372967546, ClinGen allele CA057606.